The following is an entry in ClinVar:

NM_001430.5(EPAS1):c.1824C>A (p.Phe608Leu)

Gene: EPAS1 (endothelial PAS domain protein 1; plus strand). Cytogenetic location: 2p21.
Variant type: single nucleotide variant.
Coding change: c.1824C>A on transcript NM_001430.5 (MANE Select); coding-DNA position 1824, C replaced by A.
Protein change: p.Phe608Leu; replaces phenylalanine 608 with leucine.
Molecular consequence: missense variant.
Genome position (GRCh38, 1-based): chr2:46,380,496, C>A. VCF-style: chr2-46380496-C-A. GRCh37 (hg19) VCF-style: chr2-46607635-C-A.
Other names: short protein forms F608L.
Identifiers: ClinVar variation 3680960 (VCV003680960.2).

ClinVar aggregate classification (germline): Uncertain significance (1 of 4 stars; one submission).

Submission:

Labcorp Genetics (formerly Invitae), Labcorp
Classification: Uncertain significance. Last evaluated: 2024-06-04. Review status: criteria provided, single submitter. Criteria: Invitae Variant Classification Sherloc (09022015). Collection method: clinical testing. Allele origin: germline.
Comment: This sequence change replaces phenylalanine, which is neutral and non-polar, with leucine, which is neutral and non-polar, at codon 608 of the EPAS1 protein (p.Phe608Leu). This variant is not present in population databases (gnomAD no frequency). This variant has not been reported in the literature in individuals affected with EPAS1-related conditions. An algorithm developed to predict the effect of missense changes on protein structure and function (PolyPhen-2) suggests that this variant is likely to be tolerated. In summary, the available evidence is currently insufficient to determine the role of this variant in disease. Therefore, it has been classified as a Variant of Uncertain Significance.